The following is an entry in ClinVar:

NM_001374736.1(DST):c.2125A>T (p.Met709Leu)

Gene: DST (dystonin; minus strand). Cytogenetic location: 6p12.1.
Variant type: single nucleotide variant.
Coding change: c.2125A>T on transcript NM_001374736.1 (MANE Select); coding-DNA position 2125, A replaced by T.
Protein change: p.Met709Leu; replaces methionine 709 with leucine.
Molecular consequence: missense variant.
Genome position (GRCh38, 1-based): chr6:56,640,508, T>A on the plus strand (A>T on the coding strand, the complement: DST is on the minus strand). VCF-style: chr6-56640508-T-A. GRCh37 (hg19) VCF-style: chr6-56505306-T-A.
Other names: c.2026A>T, p.Met676Leu (NM_001144769.5); c.1612A>T, p.Met538Leu (NM_001144770.2); c.2125A>T, p.Met709Leu (NM_001374722.1); c.1492A>T, p.Met498Leu (NM_001374729.1, NM_001374730.1, NM_001386100.1 and 1 more transcripts); c.2152A>T, p.Met718Leu (NM_001374734.1); c.514A>T, p.Met172Leu (NM_001723.7, NM_015548.5); short protein forms M498L, M538L, M709L, M718L, M172L, M676L.
Identifiers: ClinVar variation 1494058 (VCV001494058.6), dbSNP rs142650835, ClinGen allele CA3871475.

ClinVar aggregate classification (germline): Uncertain significance (1 of 4 stars; one submission).

Conditions:
Epidermolysis bullosa simplex 3, localized or generalized intermediate, with BP230 deficiency (EBS3). Also called: Epidermolysis bullosa simplex, autosomal recessive 2; Epidermolysis bullosa simplex due to BP230 deficiency. Identifiers: Orphanet 412181, MedGen C3809470, MONDO:0014180, OMIM 615425.
Hereditary sensory and autonomic neuropathy type 6. Also called: Neuropathy, hereditary sensory and autonomic, type VI; HSAN VI. Identifiers: Orphanet 314381, MedGen C3539003, MONDO:0013839, OMIM 614653.

gnomAD v4.1: 10 of 1,613,622 alleles (0.00062%); highest among the groups gnomAD compares: African/African-American, 0.0013%; no homozygotes.

Submission:

Labcorp Genetics (formerly Invitae), Labcorp
Classification: Uncertain significance for Epidermolysis bullosa simplex 3, localized or generalized intermediate, with BP230 deficiency; Hereditary sensory and autonomic neuropathy type 6. Last evaluated: 2021-08-17. Review status: criteria provided, single submitter. Criteria: Invitae Variant Classification Sherloc (09022015). Collection method: clinical testing. Allele origin: germline.
Comment: This variant is present in population databases (rs142650835, ExAC 0.001%). In summary, the available evidence is currently insufficient to determine the role of this variant in disease. Therefore, it has been classified as a Variant of Uncertain Significance. Algorithms developed to predict the effect of missense changes on protein structure and function (SIFT, PolyPhen-2, Align-GVGD) all suggest that this variant is likely to be tolerated. This variant has not been reported in the literature in individuals affected with DST-related conditions. This sequence change replaces methionine with leucine at codon 172 of the DST protein (p.Met172Leu). The methionine residue is highly conserved and there is a small physicochemical difference between methionine and leucine.